The following is an entry in ClinVar:

NM_144991.3(TSPEAR):c.1861C>T (p.Gln621Ter)

Gene: TSPEAR (thrombospondin type laminin G domain and EAR repeats; minus strand). Cytogenetic location: 21q22.3.
Variant type: single nucleotide variant.
Coding change: c.1861C>T on transcript NM_144991.3 (MANE Select); coding-DNA position 1861, C replaced by T.
Protein change: p.Gln621Ter; replaces glutamine 621 with a stop codon.
Molecular consequence: nonsense.
Genome position (GRCh38, 1-based): chr21:44,499,932, G>A on the plus strand (C>T on the coding strand, the complement: TSPEAR is on the minus strand). VCF-style: chr21-44499932-G-A. GRCh37 (hg19) VCF-style: chr21-45919815-G-A.
Other names: c.1657C>T, p.Gln553Ter (NM_001272037.2); short protein forms Q553*, Q621*.
Identifiers: ClinVar variation 4850234 (VCV004850234.1).

ClinVar aggregate classification (germline): Likely pathogenic (1 of 4 stars; one submission).

Conditions:
Tooth agenesis, selective, 10 (STHAG10). Identifiers: MedGen C5774277, MONDO:0859339, OMIM 620173.
Ectodermal dysplasia 14, hair/tooth type with or without hypohidrosis. Identifiers: Orphanet 685067, MedGen C4748560, MONDO:0032584, OMIM 618180.
Autosomal recessive nonsyndromic hearing loss 98. Also called: Deafness, autosomal recessive 98. Identifiers: Orphanet 90636, MedGen C3553932, MONDO:0013929, OMIM 614861.

Submission:

First Genomix Gene Laboratory, Genetic Diagnostics Department
Classification: Likely pathogenic for Autosomal recessive nonsyndromic hearing loss 98; Ectodermal dysplasia 14, hair/tooth type with or without hypohidrosis; Tooth agenesis, selective, 10. Last evaluated: 2025-08-26. Review status: criteria provided, single submitter. Criteria: ACMG Guidelines, 2015. Collection method: clinical testing. Allele origin: germline. Inheritance: Autosomal recessive inheritance. Affected: no. Observed: 1 variant allele.